The following is an entry in ClinVar:

NM_019892.6(INPP5E):c.1175C>G (p.Thr392Arg)

Gene: INPP5E (inositol polyphosphate-5-phosphatase E; minus strand). Cytogenetic location: 9q34.3.
Variant type: single nucleotide variant.
Coding change: c.1175C>G on transcript NM_019892.6 (MANE Select); coding-DNA position 1175, C replaced by G.
Protein change: p.Thr392Arg; replaces threonine 392 with arginine.
Molecular consequence: missense variant.
Genome position (GRCh38, 1-based): chr9:136,433,060, G>C on the plus strand (C>G on the coding strand, the complement: INPP5E is on the minus strand). VCF-style: chr9-136433060-G-C. GRCh37 (hg19) VCF-style: chr9-139327512-G-C.
Other names: c.1175C>G (NM_019892.4, NM_019892.5); c.1175C>G, p.Thr392Arg (NM_001318502.2); short protein forms T392R.
Identifiers: ClinVar variation 1940376 (VCV001940376.8), dbSNP rs771142015, ClinGen allele CA5336890.

ClinVar aggregate classification (germline): Uncertain significance. Review status: criteria provided, multiple submitters, no conflicts (2 of 4 stars). 4 submissions from 4 submitters: Uncertain significance (3). 1 of the submissions does not count toward it. Last evaluated 2025-07-12.

Conditions:
Joubert syndrome. Also called: Familial aplasia of the vermis; JOUBERT-BOLTSHAUSER SYNDROME. Identifiers: Orphanet 475, MedGen C5979921, MONDO:0018772.
INPP5E-related disorder. Also called: INPP5E-related condition.
Inborn genetic diseases. Identifiers: MedGen C0950123, MeSH D030342.

gnomAD v4.1: 182 of 1,612,396 alleles (0.011%); highest among the groups gnomAD compares: Non-Finnish European, 0.015%; no homozygotes.

Submissions (4):

Ambry Genetics
Classification: Uncertain significance for Inborn genetic diseases. Last evaluated: 2025-07-12. Review status: criteria provided, single submitter. Criteria: Ambry Variant Classification Scheme 2023. Collection method: clinical testing. Allele origin: germline.

Blueprint Genetics
Classification: Uncertain significance. Last evaluated: 2024-03-09. Review status: criteria provided, single submitter. Criteria: ACMG Guidelines, 2015. Collection method: clinical testing. Allele origin: germline.

Labcorp Genetics (formerly Invitae), Labcorp
Classification: Uncertain significance for Joubert syndrome. Last evaluated: 2022-11-01. Review status: criteria provided, single submitter. Criteria: Invitae Variant Classification Sherloc (09022015). Collection method: clinical testing. Allele origin: germline.
Comment: This sequence change replaces threonine, which is neutral and polar, with arginine, which is basic and polar, at codon 392 of the INPP5E protein (p.Thr392Arg). This variant is present in population databases (rs771142015, gnomAD 0.01%). This variant has not been reported in the literature in individuals affected with INPP5E-related conditions. Advanced modeling of protein sequence and biophysical properties (such as structural, functional, and spatial information, amino acid conservation, physicochemical variation, residue mobility, and thermodynamic stability) has been performed at Invitae for this missense variant, however the output from this modeling did not meet the statistical confidence thresholds required to predict the impact of this variant on INPP5E protein function. In summary, the available evidence is currently insufficient to determine the role of this variant in disease. Therefore, it has been classified as a Variant of Uncertain Significance.

PreventionGenetics, part of Exact Sciences
Classification: Uncertain significance for INPP5E-related condition. Last evaluated: 2023-11-22. Review status: no assertion criteria provided. Collection method: clinical testing. Allele origin: germline. Not counted in ClinVar's aggregate classification.
Comment: The INPP5E c.1175C>G variant is predicted to result in the amino acid substitution p.Thr392Arg. To our knowledge, this variant has not been reported in the literature. This variant is reported in 0.010% of alleles in individuals of European (Non-Finnish) descent in gnomAD. At this time, the clinical significance of this variant is uncertain due to the absence of conclusive functional and genetic evidence.